The following is an entry in ClinVar:

ClinVar aggregate classification (germline): Uncertain significance. Review status: criteria provided, multiple submitters, no conflicts (2 of 4 stars). 2 submissions from 2 submitters: Uncertain significance (2). Last evaluated 2026-03-31.

Conditions:
Cardiovascular phenotype. Identifiers: MedGen CN230736.

Submissions (2):

GeneDx
Classification: Uncertain significance. Last evaluated: 2026-03-31. Review status: criteria provided, single submitter. Criteria: GeneDx Variant Classification Process June 2021. Collection method: clinical testing. Allele origin: germline.
Comment: Not observed at significant frequency in large population cohorts (gnomAD); In-frame duplication of 1 amino acid(s) in a non-repeat region; Has not been previously published as pathogenic or benign to our knowledge

Ambry Genetics
Classification: Uncertain significance for Cardiovascular phenotype. Last evaluated: 2024-11-06. Review status: criteria provided, single submitter. Criteria: Ambry Variant Classification Scheme 2023. Collection method: clinical testing. Allele origin: germline.
Comment: The c.3533_3535dupACT variant (also known as p.Y1178dup), located in coding exon 50 of the COL1A2 gene, results from an in-frame duplication of ACT at nucleotide positions 3533 to 3535. This results in the duplication of an extra tyrosine residue between codons 1178 and 1179. This amino acid position is highly conserved in available vertebrate species. Based on the available evidence, the clinical significance of this variant remains unclear.

NM_000089.4(COL1A2):c.3530ACT[3] (p.Tyr1178_Trp1179insTyr)

Gene: COL1A2 (collagen type I alpha 2 chain; plus strand). Cytogenetic location: 7q21.3.
Variant type: Microsatellite.
Coding change: c.3530ACT[3] on transcript NM_000089.4 (MANE Select); three copies in a row of the 3-base unit ACT starting at c.3530; the reference has two copies in a row; one copy, 3 bases duplicated; also written c.3533_3535dup.
Protein change: p.Tyr1178_Trp1179insTyr.
Molecular consequence: inframe indel (on NM_000089.3).
Genome position (GRCh38, 1-based): chr7:94,428,299-94,428,301, ACT duplicated; duplicating any 3 consecutive bases within chr7:94,428,295-94,428,301 gives the same sequence; the position shown is the placement nearest the transcript's 3' end. VCF-style (leftmost placement, unchanged base first): chr7-94428294-T-TTAC. GRCh37 (hg19) VCF-style: chr7-94057606-T-TTAC.
Other names: c.3533_3535dupACT (NM_000089.3); c.3530_3532ACT[3], p.Tyr1178_Trp1179insTyr (NM_000089.3); c.3533_3535dup (NM_000089.3).
Identifiers: ClinVar variation 3495264 (VCV003495264.2).